The following is an entry in ClinVar:

NM_002834.5(PTPN11):c.226G>C (p.Glu76Gln)

Gene: PTPN11 (protein tyrosine phosphatase non-receptor type 11; plus strand). Cytogenetic location: 12q24.13.
Variant type: single nucleotide variant.
Coding change: c.226G>C on transcript NM_002834.5 (MANE Select); coding-DNA position 226, G replaced by C.
Protein change: p.Glu76Gln; replaces glutamic acid 76 with glutamine.
Molecular consequence: missense variant.
Genome position (GRCh38, 1-based): chr12:112,450,406, G>C. VCF-style: chr12-112450406-G-C. GRCh37 (hg19) VCF-style: chr12-112888210-G-C.
Other names: p.E76Q:GAG>CAG; c.226G>C, p.Glu76Gln (NM_001330437.2, NM_080601.3); c.223G>C, p.Glu75Gln (NM_001374625.1); short protein forms E76Q, E75Q.
Identifiers: ClinVar variation 181496 (VCV000181496.8), dbSNP rs121918464, ClinGen allele CA297076.
Genomic context (GRCh38, chr12:112,450,406, plus strand): 5'-ATTCAGAACACTGGTGATTACTATGACCTGTATGGAGGGGAGAAATTTGCCACTTTGGCT[G>C]AGTTGGTCCAGTATTACATGGAACATCACGGGCAATTAAAAGAGAAGAATGGAGATGTCA-3'
Protein context (NP_002825.3, residues 66-86): YGGEKFATLA[Glu76Gln]LVQYYMEHHG

ClinVar aggregate classification (germline): Pathogenic/Likely pathogenic. Review status: criteria provided, multiple submitters, no conflicts (2 of 4 stars). 5 submissions from 5 submitters: Pathogenic (4); Likely pathogenic (1). Last evaluated 2024-03-26.

Conditions:
Noonan syndrome and Noonan-related syndrome. Identifiers: Orphanet 98733, MedGen C5681679, MONDO:0020297.
RASopathy. Also called: rasopathies; Noonan spectrum disorder. Identifiers: Orphanet 536391, MedGen C5555857, MONDO:0021060.
Noonan syndrome 1 (NS1). Also called: FEMALE PSEUDO-TURNER SYNDROME; TURNER PHENOTYPE WITH NORMAL KARYOTYPE; PTPN11-Related Noonan Syndrome. Identifiers: Orphanet 648, MedGen C4551602, MONDO:0008104, OMIM 163950. Disease mechanism: gain of function.

Submissions (5):

Genomic Medicine Center of Excellence, King Faisal Specialist Hospital and Research Centre
Classification: Likely pathogenic for Noonan syndrome 1. Last evaluated: 2024-03-26. Review status: criteria provided, single submitter. Criteria: ACMG Guidelines, 2015. Collection method: clinical testing. Allele origin: germline.

Women's Health and Genetics/Laboratory Corporation of America, LabCorp
Classification: Pathogenic for RASopathy. Last evaluated: 2022-07-25. Review status: criteria provided, single submitter. Criteria: LabCorp Variant Classification Summary - May 2015. Collection method: clinical testing. Allele origin: germline.
Comment: Variant summary: PTPN11 c.226G>C (p.Glu76Gln) results in a conservative amino acid change located in the SH2 domain (IPR000980) of the encoded protein sequence. Other variants at the same codon, p.Glu76Ala, p.Glu76Asp, p.Glu76Gly and p.Glu76Val have been reported in association with Noonan syndrome supporting a mutational hotspot and a critical residue required for protein function. Four of five in-silico tools predict a damaging effect of the variant on protein function. The variant was absent in 251068 control chromosomes. c.226G>C has been reported in the literature as a de-novo germline variant in at-least one fetus prenatally affected with Noonan Syndrome (example, Malniece_2020). At least one publication reports experimental evidence evaluating an impact on protein function, demonstrating that the variant resulted in increased phosphatase activity as compared with wild type, therefore, this alteration is predicted to be activating (LaRochelle_2016). One clinical diagnostic laboratory has submitted clinical-significance assessments for this variant to ClinVar after 2014 without evidence for independent evaluation and classified the variant as pathogenic. Based on the evidence outlined above, the variant was classified as pathogenic.

MGZ Medical Genetics Center
Classification: Pathogenic for Noonan syndrome 1. Last evaluated: 2022-07-07. Review status: criteria provided, single submitter. Criteria: ACMG Guidelines, 2015. Collection method: clinical testing. Allele origin: germline. Affected: yes. Observed: 1 variant allele.
Comment: ACMG criteria applied: PS2, PM5_STR, PS4_MOD, PM1, PM2_SUP, PP2, PP3

Genome Diagnostics Laboratory, The Hospital for Sick Children
Classification: Pathogenic for Noonan syndrome and Noonan-related syndrome. Last evaluated: 2017-05-15. Review status: criteria provided, single submitter. Criteria: ACMG Guidelines, 2015. Collection method: clinical testing. Allele origin: germline. Affected: yes.

GeneDx
Classification: Pathogenic. Last evaluated: 2014-08-04. Review status: criteria provided, single submitter. Criteria: GeneDx Variant Classification (06012015). Collection method: clinical testing. Allele origin: germline. Affected: yes.
Comment: he E76Q missense mutation has not be reported as a benign polymorphism or as a disease-causing mutation, to our knowledge. The E76Q missense change is a non-conservative amino acid substitution with a negatively charged residue (Glu) being replaced by a neutral residue (Gln). It lies in the N-SH2 domain of the gene, which is a hot spot for Noonan syndrome mutations. Several other missense mutations at this codon (E76A, E76K and E76V) have been reported as somatic mutations in association with juvenile myelomonocytic leukemia (JMML) and other hematologic malignancies (Mori et al., 2004 and Tartaglia et al., 2006). However, another missense mutation at this codon (E76D) has been reported previously as a germline mutation in association with Noonan syndrome (Tartaglia et al., 2001 and Tartaglia et al., 2006). The variant is found in NOONAN panel(s).

Literature cited by the submitters: PubMed 15385933 (cited by Women's Health and Genetics/Laboratory Corporation of America, LabCorp); PubMed 14644997 (cited by Women's Health and Genetics/Laboratory Corporation of America, LabCorp); PubMed 14982869 (cited by Women's Health and Genetics/Laboratory Corporation of America, LabCorp); PubMed 16358218 (cited by Women's Health and Genetics/Laboratory Corporation of America, LabCorp); PubMed 15951301 (cited by Women's Health and Genetics/Laboratory Corporation of America, LabCorp); PubMed 15834506 (cited by Women's Health and Genetics/Laboratory Corporation of America, LabCorp); PubMed 25097206 (cited by Women's Health and Genetics/Laboratory Corporation of America, LabCorp); PubMed 19047918 (cited by Women's Health and Genetics/Laboratory Corporation of America, LabCorp); PubMed 19179468 (cited by Women's Health and Genetics/Laboratory Corporation of America, LabCorp); PubMed 17972951 (cited by Women's Health and Genetics/Laboratory Corporation of America, LabCorp); PubMed 15710330 (cited by Women's Health and Genetics/Laboratory Corporation of America, LabCorp); PubMed 25395418 (cited by Women's Health and Genetics/Laboratory Corporation of America, LabCorp); PubMed 27276561 (cited by Women's Health and Genetics/Laboratory Corporation of America, LabCorp); PubMed 27069254 (cited by Women's Health and Genetics/Laboratory Corporation of America, LabCorp); PubMed 27030275 (cited by Women's Health and Genetics/Laboratory Corporation of America, LabCorp); PubMed 32561839 (cited by Women's Health and Genetics/Laboratory Corporation of America, LabCorp); PubMed 32794475 (cited by Women's Health and Genetics/Laboratory Corporation of America, LabCorp).